The following is an entry in ClinVar:

NM_001267550.2(TTN):c.102541G>T (p.Glu34181Ter)

Genes: TTN (titin; minus strand), TTN-AS1 (TTN antisense RNA 1; plus strand). Cytogenetic location: 2q31.2.
Variant type: single nucleotide variant.
Coding change: c.102541G>T on transcript NM_001267550.2 (MANE Select); coding-DNA position 102541, G replaced by T.
Protein change: p.Glu34181Ter; replaces glutamic acid 34181 with a stop codon.
Molecular consequence: nonsense.
Genome position (GRCh38, 1-based): chr2:178,534,074, C>A on the plus strand (G>T on the coding strand, the complement: TTN is on the minus strand). VCF-style: chr2-178534074-C-A. GRCh37 (hg19) VCF-style: chr2-179398801-C-A.
Other names: c.97618G>T, p.Glu32540Ter (NM_001256850.1); c.75346G>T, p.Glu25116Ter (NM_003319.4); c.94837G>T, p.Glu31613Ter (NM_133378.4); c.75721G>T, p.Glu25241Ter (NM_133432.3); c.75922G>T, p.Glu25308Ter (NM_133437.4); short protein forms E25241*, E25308*, E34181*, E31613*, E25116*, E32540*.
Identifiers: ClinVar variation 2933221 (VCV002933221.3), dbSNP rs1559033148, ClinGen allele CA349417307.

ClinVar aggregate classification (germline): Likely pathogenic (1 of 4 stars; one submission).

Conditions:
Autosomal recessive limb-girdle muscular dystrophy type 2J (LGMDR10). Also called: Limb-girdle muscular dystrophy, type 2J; MUSCULAR DYSTROPHY, LIMB-GIRDLE, AUTOSOMAL RECESSIVE 10. Identifiers: Orphanet 140922, MedGen C1837342, MONDO:0012127, OMIM 608807.
Dilated cardiomyopathy 1G (CMD1G). Identifiers: Orphanet 154, MedGen C1858763, MONDO:0011400, OMIM 604145.

Submission:

Labcorp Genetics (formerly Invitae), Labcorp
Classification: Likely pathogenic for Dilated cardiomyopathy 1G; Autosomal recessive limb-girdle muscular dystrophy type 2J. Last evaluated: 2025-11-05. Review status: criteria provided, single submitter. Criteria: Invitae Variant Classification Sherloc (09022015). Collection method: clinical testing. Allele origin: germline.
Comment: This sequence change creates a premature translational stop signal (p.Glu34181*) in the TTN gene. While this is not anticipated to result in nonsense mediated decay, it is expected to create a truncated TTN protein. This variant is not present in population databases (gnomAD no frequency). This premature translational stop signal has been observed in individual(s) with dilated cardiomyopathy (internal data). ClinVar contains an entry for this variant (Variation ID: 2933221). This variant is located in the M band of TTN (PMID: 25589632). Truncating variants in this region have been previously reported in individuals affected with autosomal dominant or autosomal recessive myopathy and muscular dystrophy (PMID: 18948003, 23975875, 24395473). Truncating variants in this region have also been identified in individuals affected with autosomal dominant dilated cardiomyopathy and/or cardio-related conditions (PMID: 27869827, 32964742, internal data). In summary, the currently available evidence indicates that the variant is pathogenic, but additional data are needed to prove that conclusively. Therefore, this variant has been classified as Likely Pathogenic.

Literature cited by the submitters: PubMed 25589632; PubMed 18948003; PubMed 23975875; PubMed 24395473; PubMed 27869827; PubMed 32964742.